The following is an entry in ClinVar:

ClinVar aggregate classification (germline): Likely benign. Review status: criteria provided, multiple submitters, no conflicts (2 of 4 stars). 5 submissions from 5 submitters: Likely benign (5). Last evaluated 2025-09-30.

Conditions:
Hereditary spastic paraplegia 30. Identifiers: Orphanet 101010, MedGen C5235139, MONDO:0012476.
Neuropathy, hereditary sensory, type 2C. Also called: KIF1A-Related HSAN2 (HSAN2C); Hereditary sensory and autonomic neuropathy type IIC. Identifiers: Orphanet 970, MedGen C3280168, MONDO:0013634, OMIM 614213.
Intellectual disability, autosomal dominant 9 (NESCAVS). Also called: KIF1A-Related Neurodevelopmental Disorder; NESCAV SYNDROME. Identifiers: Orphanet 662367, MedGen C5393830, MONDO:0013656, OMIM 614255.

Allele frequency attached by ClinVar (database versions not stated): gnomAD exomes 0.00009 and 0.00010; ExAC 0.00017; TOPMed 0.00017; gnomAD 0.00019 and 0.00021; ESP Exome Variant Server 0.00039.

Submissions (5):

Labcorp Genetics (formerly Invitae), Labcorp
Classification: Likely benign for Hereditary spastic paraplegia 30; Neuropathy, hereditary sensory, type 2C; Intellectual disability, autosomal dominant 9. Last evaluated: 2025-09-30. Review status: criteria provided, single submitter. Criteria: Invitae Variant Classification Sherloc (09022015). Collection method: clinical testing. Allele origin: germline.

ARUP Laboratories, Molecular Genetics and Genomics, ARUP Laboratories
Classification: Likely benign. Last evaluated: 2025-05-22. Review status: criteria provided, single submitter. Criteria: ARUP Molecular Germline Variant Investigation Process 2024. Collection method: clinical testing. Allele origin: germline.

CeGaT Center for Human Genetics Tuebingen
Classification: Likely benign. Last evaluated: 2024-10-01. Review status: criteria provided, single submitter. Criteria: CeGaT Center For Human Genetics Tuebingen Variant Classification Criteria Version 2. Collection method: clinical testing. Allele origin: germline. Affected: yes. Observed: 1 variant allele.
Comment: KIF1A: BP4, BP7

Blueprint Genetics
Classification: Likely benign. Last evaluated: 2024-09-24. Review status: criteria provided, single submitter. Criteria: ACMG Guidelines, 2015. Collection method: clinical testing. Allele origin: germline.

GeneDx
Classification: Likely benign. Last evaluated: 2019-05-28. Review status: criteria provided, single submitter. Criteria: GeneDx Variant Classification Process June 2021. Collection method: clinical testing. Allele origin: germline. Affected: yes.

NM_001244008.2(KIF1A):c.5301C>T (p.Tyr1767=)

Gene: KIF1A (kinesin family member 1A; minus strand). Cytogenetic location: 2q37.3.
Variant type: single nucleotide variant.
Coding change: c.5301C>T on transcript NM_001244008.2 (MANE Select); coding-DNA position 5301, C replaced by T.
Protein change: p.Tyr1767=; no amino-acid change (tyrosine 1767 retained).
Molecular consequence: synonymous variant.
Genome position (GRCh38, 1-based): chr2:240,718,082, G>A on the plus strand (C>T on the coding strand, the complement: KIF1A is on the minus strand). VCF-style: chr2-240718082-G-A. GRCh37 (hg19) VCF-style: chr2-241657499-G-A.
Other names: c.5025C>T, p.Tyr1675= (NM_001320705.2, NM_001379649.1); c.5052C>T, p.Tyr1684= (NM_001330289.2); c.5100C>T, p.Tyr1700= (NM_001330290.2, NM_001379648.1); c.5376C>T, p.Tyr1792= (NM_001379631.1); c.5277C>T, p.Tyr1759= (NM_001379632.1); c.5274C>T, p.Tyr1758= (NM_001379633.1, NM_001379645.1); c.5127C>T, p.Tyr1709= (NM_001379634.1); c.5124C>T, p.Tyr1708= (NM_001379635.1, NM_001379646.1); and 8 more.
Identifiers: ClinVar variation 702819 (VCV000702819.30), dbSNP rs373440327, ClinGen allele CA2207115.